The following is an entry in ClinVar:

NM_001348323.3(TRIP12):c.4138A>G (p.Arg1380Gly)

Gene: TRIP12 (thyroid hormone receptor interactor 12; minus strand). Cytogenetic location: 2q36.3.
Variant type: single nucleotide variant.
Coding change: c.4138A>G on transcript NM_001348323.3 (MANE Select); coding-DNA position 4138, A replaced by G.
Protein change: p.Arg1380Gly; replaces arginine 1380 with glycine.
Molecular consequence: missense variant.
Genome position (GRCh38, 1-based): chr2:229,792,976, T>C on the plus strand (A>G on the coding strand, the complement: TRIP12 is on the minus strand). VCF-style: chr2-229792976-T-C. GRCh37 (hg19) VCF-style: chr2-230657692-T-C.
Other names: c.4057A>G, p.Arg1353Gly (NM_001284214.2, NM_001348315.2); c.4012A>G, p.Arg1338Gly (NM_001284215.2, NM_001348316.2); c.3103A>G, p.Arg1035Gly (NM_001284216.2); c.3997A>G, p.Arg1333Gly (NM_001348317.1, NM_001348318.2); c.4123A>G, p.Arg1375Gly (NM_001348319.1, NM_001348320.2); c.4126A>G, p.Arg1376Gly (NM_001348321.1); c.4138A>G, p.Arg1380Gly (NM_001348322.1, NM_001348324.2, NM_001348325.2 and 2 more transcripts); c.4141A>G, p.Arg1381Gly (NM_001348328.1, NM_001348329.2, NM_001348330.2); and 4 more; short protein forms R1035G, R1305G, R1306G, R1333G, R1338G, R1346G, R1353G, R1354G.
Identifiers: ClinVar variation 3365994 (VCV003365994.1).
Genomic context (GRCh38, chr2:229,792,976, plus strand): 5'-TGTAAATTTCTCCCAAATATACATATATAACACACGAAACAAATATATGGAAAGTACCTC[T>C]AACTACAAGGTATCTCTCGATGGCTTGTACCAAAGCCAGAGGGTCAATCTTGACAGGTCC-3'
Protein context (NP_001335252.1, residues 1370-1390): VQAIERYLVV[Arg1380Gly]GYGRVREDDE

ClinVar aggregate classification (germline): Uncertain significance (1 of 4 stars; one submission).

Submission:

GeneDx
Classification: Uncertain significance. Last evaluated: 2023-10-17. Review status: criteria provided, single submitter. Criteria: GeneDx Variant Classification Process June 2021. Collection method: clinical testing. Allele origin: germline. Affected: yes.
Comment: Not observed at significant frequency in large population cohorts (gnomAD); In silico analysis supports that this missense variant has a deleterious effect on protein structure/function; Has not been previously published as pathogenic or benign to our knowledge